The following is an entry in ClinVar:

ClinVar aggregate classification (germline): Uncertain significance (1 of 4 stars; one submission).

Submission:

CeGaT Center for Human Genetics Tuebingen
Classification: Uncertain significance. Last evaluated: 2026-07-01. Review status: criteria provided, single submitter. Criteria: CeGaT Center For Human Genetics Tuebingen Variant Classification Criteria Version 2. Collection method: clinical testing. Allele origin: germline. Affected: yes. Observed: 1 variant allele.
Comment: ITPR3: PM2

NM_002224.4(ITPR3):c.4157A>G (p.Lys1386Arg)

Gene: ITPR3 (inositol 1,4,5-trisphosphate receptor type 3; plus strand). Cytogenetic location: 6p21.31.
Variant type: single nucleotide variant.
Coding change: c.4157A>G on transcript NM_002224.4 (MANE Select); coding-DNA position 4157, A replaced by G.
Protein change: p.Lys1386Arg; replaces lysine 1386 with arginine.
Molecular consequence: missense variant.
Genome position (GRCh38, 1-based): chr6:33,680,066, A>G. VCF-style: chr6-33680066-A-G. GRCh37 (hg19) VCF-style: chr6-33647843-A-G.
Other names: short protein forms K1386R.
Identifiers: ClinVar variation 5039451 (VCV005039451.1).